The following is an entry in ClinVar:

ClinVar aggregate classification (germline): Likely pathogenic (1 of 4 stars; one submission).

Conditions:
Ichthyosis linearis circumflexa. Identifiers: MedGen C0265962, MONDO:0043106, HP:0025810.

Submission:

Labcorp Genetics (formerly Invitae), Labcorp
Classification: Likely pathogenic for Ichthyosis linearis circumflexa. Last evaluated: 2023-10-04. Review status: criteria provided, single submitter. Criteria: Invitae Variant Classification Sherloc (09022015). Collection method: clinical testing. Allele origin: germline.
Comment: This sequence change affects an acceptor splice site in intron 22 of the SPINK5 gene. It is expected to disrupt RNA splicing. Variants that disrupt the donor or acceptor splice site typically lead to a loss of protein function (PMID: 16199547), and loss-of-function variants in SPINK5 are known to be pathogenic (PMID: 11511292, 11841556). This variant is not present in population databases (gnomAD no frequency). This variant has not been reported in the literature in individuals affected with SPINK5-related conditions. Algorithms developed to predict the effect of sequence changes on RNA splicing suggest that this variant may disrupt the consensus splice site. In summary, the currently available evidence indicates that the variant is pathogenic, but additional data are needed to prove that conclusively. Therefore, this variant has been classified as Likely Pathogenic.

Literature cited by the submitters: PubMed 16199547; PubMed 11511292; PubMed 11841556.

NM_006846.4(SPINK5):c.2113-2A>G

Gene: SPINK5 (serine peptidase inhibitor Kazal type 5; plus strand). Cytogenetic location: 5q32.
Variant type: single nucleotide variant.
Coding change: c.2113-2A>G on transcript NM_006846.4 (MANE Select); the canonical splice acceptor site of the intron before coding-DNA position 2113, A replaced by G.
Molecular consequence: splice acceptor variant.
Genome position (GRCh38, 1-based): chr5:148,118,435, A>G. VCF-style: chr5-148118435-A-G. GRCh37 (hg19) VCF-style: chr5-147497998-A-G.
Other names: c.2113-2A>G (NM_001127698.2, NM_001127699.2).
Identifiers: ClinVar variation 2789478 (VCV002789478.3), dbSNP rs2531782406, ClinGen allele CA361644570.